The following is an entry in ClinVar:

NM_006005.3(WFS1):c.358G>A (p.Glu120Lys)

Gene: WFS1 (wolframin ER transmembrane glycoprotein; plus strand). Cytogenetic location: 4p16.1.
Variant type: single nucleotide variant.
Coding change: c.358G>A on transcript NM_006005.3 (MANE Select); coding-DNA position 358, G replaced by A.
Protein change: p.Glu120Lys; replaces glutamic acid 120 with lysine.
Molecular consequence: missense variant.
Genome position (GRCh38, 1-based): chr4:6,289,029, G>A. VCF-style: chr4-6289029-G-A. GRCh37 (hg19) VCF-style: chr4-6290756-G-A.
Other names: c.358G>A, p.Glu120Lys (NM_001145853.1); short protein forms E120K.
Identifiers: ClinVar variation 1328624 (VCV001328624.2), dbSNP rs1318027960, ClinGen allele CA356171391.

ClinVar aggregate classification (germline): Uncertain significance (1 of 4 stars; one submission).

Submission:

GeneDx
Classification: Uncertain significance. Last evaluated: 2021-06-16. Review status: criteria provided, single submitter. Criteria: GeneDx Variant Classification Process June 2021. Collection method: clinical testing. Allele origin: germline. Affected: yes.
Comment: Not observed at significant frequency in large population cohorts (Lek et al., 2016); In silico analysis supports that this missense variant does not alter protein structure/function; Has not been previously published as pathogenic or benign to our knowledge; This variant is associated with the following publications: (PMID: 27535533)